The following is an entry in ClinVar:

ClinVar aggregate classification (germline): Conflicting classifications of pathogenicity. Review status: criteria provided, conflicting classifications (1 of 4 stars). 2 submissions from 2 submitters: Uncertain significance (1); Likely benign (1). Last evaluated 2024-08-13.

Allele frequency attached by ClinVar (database versions not stated): TOPMed 0.00008; gnomAD 0.00011; ESP Exome Variant Server 0.00016; ExAC 0.00021; gnomAD exomes 0.00022.

Submissions (2):

Labcorp Genetics (formerly Invitae), Labcorp
Classification: Uncertain significance. Last evaluated: 2024-08-13. Review status: criteria provided, single submitter. Criteria: Invitae Variant Classification Sherloc (09022015). Collection method: clinical testing. Allele origin: germline.
Comment: This sequence change replaces glycine, which is neutral and non-polar, with serine, which is neutral and polar, at codon 224 of the CBX2 protein (p.Gly224Ser). This variant is present in population databases (rs200088016, gnomAD 0.03%). This variant has not been reported in the literature in individuals affected with CBX2-related conditions. ClinVar contains an entry for this variant (Variation ID: 2568844). Advanced modeling of protein sequence and biophysical properties (such as structural, functional, and spatial information, amino acid conservation, physicochemical variation, residue mobility, and thermodynamic stability) performed at Invitae indicates that this missense variant is not expected to disrupt CBX2 protein function with a negative predictive value of 80%. In summary, the available evidence is currently insufficient to determine the role of this variant in disease. Therefore, it has been classified as a Variant of Uncertain Significance.

Ambry Genetics
Classification: Likely benign. Last evaluated: 2023-06-12. Review status: criteria provided, single submitter. Criteria: Ambry Variant Classification Scheme 2023. Collection method: clinical testing. Allele origin: germline.

NM_005189.3(CBX2):c.670G>A (p.Gly224Ser)

Gene: CBX2 (chromobox 2; plus strand). Cytogenetic location: 17q25.3.
Variant type: single nucleotide variant.
Coding change: c.670G>A on transcript NM_005189.3 (MANE Select); coding-DNA position 670, G replaced by A.
Protein change: p.Gly224Ser; replaces glycine 224 with serine.
Molecular consequence: missense variant.
Genome position (GRCh38, 1-based): chr17:79,784,113, G>A. VCF-style: chr17-79784113-G-A. GRCh37 (hg19) VCF-style: chr17-77757912-G-A.
Other names: short protein forms G224S.
Identifiers: ClinVar variation 2568844 (VCV002568844.5), dbSNP rs200088016, ClinGen allele CA8811303.
Genomic context (GRCh38, chr17:79,784,113, plus strand): 5'-CTCAGCGCCCCCGTTGCAGGCCTGGCAGCTCTGAAGGCCCACGCCAAGGAGGCCTGTGGC[G>A]GCCCCAGTGCCATGGCCACCCCAGAGAACCTGGCCAGCCTAATGAAGGGCATGGCCAGTA-3'
Protein context (NP_005180.1, residues 214-234): LKAHAKEACG[Gly224Ser]PSAMATPENL